The following is an entry in ClinVar:

ClinVar aggregate classification (germline): Benign/Likely benign. Review status: criteria provided, multiple submitters, no conflicts (2 of 4 stars). 2 submissions from 2 submitters: Benign (1); Likely benign (1). Last evaluated 2023-05-01.

Conditions:
Fraser syndrome 2 (FRASRS2). Identifiers: MedGen C4540036, MONDO:0054738, OMIM 617666.

Allele frequency attached by ClinVar (database versions not stated): 1000 Genomes Project 0.00260; 1000 Genomes Project 30x 0.00328; TOPMed 0.00812; gnomAD 0.00967 and 0.01007.

Submissions (2):

CeGaT Center for Human Genetics Tuebingen
Classification: Benign. Last evaluated: 2023-05-01. Review status: criteria provided, single submitter. Criteria: CeGaT Center For Human Genetics Tuebingen Variant Classification Criteria Version 2. Collection method: clinical testing. Allele origin: germline. Affected: yes. Observed: 1 variant allele.
Comment: FREM2: BS1, BS2

Illumina Laboratory Services, Illumina
Classification: Likely benign for Fraser syndrome 2. Last evaluated: 2018-01-13. Review status: criteria provided, single submitter. Criteria: ICSL Variant Classification Criteria 13 December 2019. Collection method: clinical testing. Allele origin: germline.
Comment: This variant was observed in the ICSL laboratory as part of a predisposition screen in an ostensibly healthy population. It had not been previously curated by ICSL or reported in the Human Gene Mutation Database (HGMD: prior to June 1st, 2018), and was therefore a candidate for classification through an automated scoring system. Utilizing variant allele frequency, disease prevalence and penetrance estimates, and inheritance mode, an automated score was calculated to assess if this variant is too frequent to cause the disease. Based on the score and internal cut-off values, a variant classified as likely benign is not then subjected to further curation. The score for this variant resulted in a classification of likely benign for this disease.

NM_207361.6(FREM2):c.*3731A>C

Gene: FREM2 (FRAS1 related extracellular matrix 2; plus strand). Cytogenetic location: 13q13.3.
Variant type: single nucleotide variant.
Coding change: c.*3731A>C on transcript NM_207361.6 (MANE Select); 3731 bases downstream of the stop codon, A replaced by C.
Molecular consequence: 3 prime UTR variant.
Genome position (GRCh38, 1-based): chr13:38,884,518, A>C. VCF-style: chr13-38884518-A-C. GRCh37 (hg19) VCF-style: chr13-39458655-A-C.
Identifiers: ClinVar variation 312083 (VCV000312083.32), dbSNP rs41286133, ClinGen allele CA10644459.
Genomic context (GRCh38, chr13:38,884,518, plus strand): 5'-AAAATACTTATTTAGTATTGACTTGGAAGCCAATTTGGTCCTTTAATAAGTAAAGAAAAT[A>C]ATATGTTTAAAAATGTAAATGTTTTACAAATTTGAAACTTTCATAATTGTATTAATCAGA-3'